The following is an entry in ClinVar:

NM_006390.4(IPO8):c.1970C>A (p.Ser657Tyr)

Gene: IPO8 (importin 8; minus strand). Cytogenetic location: 12p11.21.
Variant type: single nucleotide variant.
Coding change: c.1970C>A on transcript NM_006390.4 (MANE Select); coding-DNA position 1970, C replaced by A.
Protein change: p.Ser657Tyr; replaces serine 657 with tyrosine.
Molecular consequence: missense variant.
Genome position (GRCh38, 1-based): chr12:30,653,071, G>T on the plus strand (C>A on the coding strand, the complement: IPO8 is on the minus strand). VCF-style: chr12-30653071-G-T. GRCh37 (hg19) VCF-style: chr12-30806005-G-T.
Other names: c.1355C>A, p.Ser452Tyr (NM_001190995.2); short protein forms S452Y, S657Y.
Identifiers: ClinVar variation 2633091 (VCV002633091.1), dbSNP rs2498003770, ClinGen allele CA384225226.
Genomic context (GRCh38, chr12:30,653,071, plus strand): 5'-ATACCTAGAAGCTGCCACATTTGAGGGGAAATACTGTGGCAGGTTAAACTGTATGCCAGG[G>T]AAAGAATTTCTTCATAGAATTCTAGAAGAAAGAAAATCTCTAGTTAGAATGCTAGGAAAT-3'
Protein context (NP_006381.2, residues 647-667): HVIEFYEEIL[Ser657Tyr]LAYSLTCHSI

ClinVar aggregate classification (germline): Uncertain significance (1 of 4 stars; one submission).

Conditions:
IPO8-related disorder. Also called: IPO8-related condition.

Submission:

PreventionGenetics, part of Exact Sciences
Classification: Uncertain significance for IPO8-related condition. Last evaluated: 2023-05-27. Review status: criteria provided, single submitter. Criteria: ACMG Guidelines, 2015. Collection method: clinical testing. Allele origin: germline.
Comment: The IPO8 c.1970C>A variant is predicted to result in the amino acid substitution p.Ser657Tyr. To our knowledge, this variant has not been reported in the literature or in a large population database, indicating this variant is rare. At this time, the clinical significance of this variant is uncertain due to the absence of conclusive functional and genetic evidence.